The following is an entry in ClinVar:

ClinVar aggregate classification (germline): Uncertain significance (1 of 4 stars; one submission).

Conditions:
Lowe syndrome (OCRL). Also called: LOWE OCULOCEREBRORENAL SYNDROME; PHOSPHATIDYLINOSITOL 4,5-BISPHOSPHATE 5-PHOSPHATASE DEFICIENCY; Oculocerebrorenal Syndrome. Identifiers: Orphanet 534, MedGen C0028860, MONDO:0010645, OMIM 309000.

Allele frequency attached by ClinVar (database versions not stated): gnomAD exomes below 0.00001.
gnomAD v4.1: 2 of 1,195,634 alleles (0.00017%); highest among the groups gnomAD compares: Non-Finnish European, 0.00023%; no homozygotes.

Submission:

Labcorp Genetics (formerly Invitae), Labcorp
Classification: Uncertain significance for Lowe syndrome. Last evaluated: 2021-12-02. Review status: criteria provided, single submitter. Criteria: Invitae Variant Classification Sherloc (09022015). Collection method: clinical testing. Allele origin: germline.
Comment: In summary, the available evidence is currently insufficient to determine the role of this variant in disease. Therefore, it has been classified as a Variant of Uncertain Significance. This variant disrupts the p.Arg457 amino acid residue in OCRL. Other variant(s) that disrupt this residue have been observed in individuals with OCRL-related conditions (PMID: 21031565; Invitae), which suggests that this may be a clinically significant amino acid residue. Advanced modeling of protein sequence and biophysical properties (such as structural, functional, and spatial information, amino acid conservation, physicochemical variation, residue mobility, and thermodynamic stability) performed at Invitae indicates that this missense variant is expected to disrupt OCRL protein function. This variant has not been reported in the literature in individuals affected with OCRL-related conditions. This variant is not present in population databases (gnomAD no frequency). This sequence change replaces arginine, which is basic and polar, with cysteine, which is neutral and slightly polar, at codon 457 of the OCRL protein (p.Arg457Cys).

Literature cited by the submitters: PubMed 21031565.

NM_000276.4(OCRL):c.1369C>T (p.Arg457Cys)

Gene: OCRL (OCRL inositol polyphosphate-5-phosphatase; plus strand). Cytogenetic location: Xq26.1.
Variant type: single nucleotide variant.
Coding change: c.1369C>T on transcript NM_000276.4 (MANE Select); coding-DNA position 1369, C replaced by T.
Protein change: p.Arg457Cys; replaces arginine 457 with cysteine.
Molecular consequence: missense variant.
Genome position (GRCh38, 1-based): chrX:129,567,266, C>T. VCF-style: chrX-129567266-C-T. GRCh37 (hg19) VCF-style: chrX-128701243-C-T.
Other names: c.1372C>T, p.Arg458Cys (NM_001318784.2); c.1369C>T, p.Arg457Cys (NM_001587.4); short protein forms R457C, R458C.
Identifiers: ClinVar variation 1373606 (VCV001373606.6), dbSNP rs137853839, ClinGen allele CA414615500.
Genomic context (GRCh38, chrX:129,567,266, plus strand): 5'-ATTAAGATAGTGTTATCCTGCTTATTTGATGCTTCTTTCTATCTGTAGCTAAATATTCAG[C>T]GCACACAGAAAAAAGCTTTTGTTGACTTCAATGAAGGGGAAATCAAGTTCATCCCCACTT-3'
Protein context (NP_000267.2, residues 447-467): LLKFDQLNIQ[Arg457Cys]TQKKAFVDFN